The following is an entry in ClinVar:

ClinVar aggregate classification (germline): Pathogenic (1 of 4 stars; one submission).

Conditions:
Episodic ataxia type 2 (EA2). Also called: ACETAZOLAMIDE-RESPONSIVE HEREDITARY PAROXYSMAL CEREBELLAR ATAXIA; ATAXIA, EPISODIC, WITH NYSTAGMUS; ATAXIA, FAMILIAL PAROXYSMAL; CEREBELLAR ATAXIA, PAROXYSMAL, ACETAZOLAMIDE-RESPONSIVE; CEREBELLOPATHY, HEREDITARY PAROXYSMAL; EPISODIC ATAXIA, NYSTAGMUS-ASSOCIATED. Identifiers: Orphanet 97, MedGen C1720416, MONDO:0007163, OMIM 108500.
Developmental and epileptic encephalopathy, 42 (DEE42A). Also called: Epileptic encephalopathy, early infantile, 42; DEVELOPMENTAL AND EPILEPTIC ENCEPHALOPATHY 42A; EPILEPTIC ENCEPHALOPATHY, EARLY INFANTILE, 42A. Identifiers: MedGen C4310716, MONDO:0014917, OMIM 617106.

Submission:

Labcorp Genetics (formerly Invitae), Labcorp
Classification: Pathogenic for Developmental and epileptic encephalopathy, 42; Episodic ataxia type 2. Last evaluated: 2025-06-14. Review status: criteria provided, single submitter. Criteria: Invitae Variant Classification Sherloc (09022015). Collection method: clinical testing. Allele origin: germline.
Comment: This sequence change creates a premature translational stop signal (p.Glu2147*) in the CACNA1A gene. It is expected to result in an absent or disrupted protein product. Loss-of-function variants in CACNA1A are known to be pathogenic (PMID: 10371528, 19486177, 25735478, 27250579). This variant is not present in population databases (gnomAD no frequency). This variant has not been reported in the literature in individuals affected with CACNA1A-related conditions. For these reasons, this variant has been classified as Pathogenic.

Literature cited by the submitters: PubMed 10371528; PubMed 19486177; PubMed 25735478; PubMed 27250579.

NM_001127222.2(CACNA1A):c.6436G>T (p.Glu2146Ter)

Gene: CACNA1A (calcium voltage-gated channel subunit alpha1 A; minus strand). Cytogenetic location: 19p13.13.
Variant type: single nucleotide variant.
Coding change: c.6436G>T on transcript NM_001127222.2 (MANE Select); coding-DNA position 6436, G replaced by T.
Protein change: p.Glu2146Ter; replaces glutamic acid 2146 with a stop codon.
Molecular consequence: nonsense.
Genome position (GRCh38, 1-based): chr19:13,209,402, C>A on the plus strand (G>T on the coding strand, the complement: CACNA1A is on the minus strand). VCF-style: chr19-13209402-C-A. GRCh37 (hg19) VCF-style: chr19-13320216-C-A.
Other names: c.6445G>T, p.Glu2149Ter (NM_001174080.2); c.6454G>T, p.Glu2152Ter (NM_023035.3, NM_000068.4); c.6439G>T, p.Glu2147Ter (NM_001127221.2); short protein forms E2147*, E2152*, E2146*, E2149*.
Identifiers: ClinVar variation 4784290 (VCV004784290.1).
Genomic context (GRCh38, chr19:13,209,402, plus strand): 5'-AGCGCTCAGAGGCGCGGTGGCTGCGGTCGCGGCGCCGCTGGTGGTGCCGCTGGTTCTCCT[C>A]GGGCGGGACCCGCTCCAGCGAGTAATCGTCCAGGCGTCGGGCCTTGGGGCCCAGCACGGA-3'